The following is an entry in ClinVar:

NM_001374828.1(ARID1B):c.5180G>A (p.Arg1727Lys)

Gene: ARID1B (AT-rich interaction domain 1B; plus strand). Cytogenetic location: 6q25.3.
Variant type: single nucleotide variant.
Coding change: c.5180G>A on transcript NM_001374828.1 (MANE Select); coding-DNA position 5180, G replaced by A.
Protein change: p.Arg1727Lys; replaces arginine 1727 with lysine.
Molecular consequence: missense variant.
Genome position (GRCh38, 1-based): chr6:157,201,405, G>A. VCF-style: chr6-157201405-G-A. GRCh37 (hg19) VCF-style: chr6-157522539-G-A.
Other names: c.4931G>A, p.Arg1644Lys (NM_001346813.1); c.2681G>A, p.Arg894Lys (NM_001363725.2); c.5060G>A, p.Arg1687Lys (NM_001371656.1, NM_001374820.1); c.5021G>A, p.Arg1674Lys (NM_017519.3); c.4811G>A, p.Arg1604Lys (NM_020732.3); c.4598G>A, p.Arg1533Lys (NM_175863.2); short protein forms R1687K, R1533K, R1604K, R1644K, R1727K, R1674K, R894K.
Identifiers: ClinVar variation 2055772 (VCV002055772.5), dbSNP rs1206706709, ClinGen allele CA366242958.

ClinVar aggregate classification (germline): Conflicting classifications of pathogenicity. Review status: criteria provided, conflicting classifications (1 of 4 stars). 2 submissions from 2 submitters: Uncertain significance (1); Likely benign (1). Last evaluated 2026-02-25.

Conditions:
ARID1B-Related Disorder. Identifiers: MedGen CN381337.

Allele frequency attached by ClinVar (database versions not stated): TOPMed 0.00003.
gnomAD v4.1: 1 of 1,588,258 alleles (0.000063%); no homozygotes.

Submissions (2):

PreventionGenetics, part of Exact Sciences
Classification: Uncertain significance for ARID1B-related condition. Last evaluated: 2026-02-25. Review status: criteria provided, single submitter. Criteria: ACMG Guidelines, 2015. Collection method: clinical testing. Allele origin: germline.
Comment: The ARID1B c.4811G>A variant is predicted to result in the amino acid substitution p.Arg1604Lys. To our knowledge, this variant has not been reported in the literature or in a large population database (gnomAD), indicating this variant is rare. At this time, the clinical significance of this variant is uncertain due to the absence of conclusive functional and genetic evidence.

Labcorp Genetics (formerly Invitae), Labcorp
Classification: Likely benign. Last evaluated: 2022-08-09. Review status: criteria provided, single submitter. Criteria: Invitae Variant Classification Sherloc (09022015). Collection method: clinical testing. Allele origin: germline.